The following is an entry in ClinVar:

ClinVar aggregate classification (germline): Uncertain significance (1 of 4 stars; one submission).

Conditions:
Neuroblastoma, susceptibility to, 3. Also called: ALK-Related Neuroblastic Tumor Susceptibility. Identifiers: Orphanet 635, MedGen C2751681, MONDO:0013083, OMIM 613014.

Submission:

Labcorp Genetics (formerly Invitae), Labcorp
Classification: Uncertain significance for Neuroblastoma, susceptibility to, 3. Last evaluated: 2024-07-30. Review status: criteria provided, single submitter. Criteria: Invitae Variant Classification Sherloc (09022015). Collection method: clinical testing. Allele origin: germline.
Comment: This sequence change creates a premature translational stop signal (p.Glu273*) in the ALK gene. It is expected to result in an absent or disrupted protein product. However, the current clinical and genetic evidence is not sufficient to establish whether loss-of-function variants in ALK cause disease. This variant is not present in population databases (gnomAD no frequency). This variant has not been reported in the literature in individuals affected with ALK-related conditions. ClinVar contains an entry for this variant (Variation ID: 2055716). In summary, the available evidence is currently insufficient to determine the role of this variant in disease. Therefore, it has been classified as a Variant of Uncertain Significance.

NM_004304.5(ALK):c.817G>T (p.Glu273Ter)

Gene: ALK (ALK receptor tyrosine kinase; minus strand). Cytogenetic location: 2p23.2.
Variant type: single nucleotide variant.
Coding change: c.817G>T on transcript NM_004304.5 (MANE Select); coding-DNA position 817, G replaced by T.
Protein change: p.Glu273Ter; replaces glutamic acid 273 with a stop codon.
Molecular consequence: nonsense.
Genome position (GRCh38, 1-based): chr2:29,694,985, C>A on the plus strand (G>T on the coding strand, the complement: ALK is on the minus strand). VCF-style: chr2-29694985-C-A. GRCh37 (hg19) VCF-style: chr2-29917851-C-A.
Other names: short protein forms E273*.
Identifiers: ClinVar variation 2055716 (VCV002055716.4), dbSNP rs2148289990, ClinGen allele CA346587082.